The following is an entry in ClinVar:

ClinVar aggregate classification (germline): Uncertain significance (1 of 4 stars; one submission).

Allele frequency attached by ClinVar (database versions not stated): ExAC 0.00002.
gnomAD v4.1: 11 of 1,613,994 alleles (0.00068%); highest among the groups gnomAD compares: Admixed American, 0.015%; no homozygotes.

Submission:

Labcorp Genetics (formerly Invitae), Labcorp
Classification: Uncertain significance. Last evaluated: 2024-10-15. Review status: criteria provided, single submitter. Criteria: Invitae Variant Classification Sherloc (09022015). Collection method: clinical testing. Allele origin: germline.
Comment: This sequence change replaces arginine, which is basic and polar, with leucine, which is neutral and non-polar, at codon 246 of the SLC46A1 protein (p.Arg246Leu). This variant is present in population databases (rs782222724, gnomAD 0.02%). This variant has not been reported in the literature in individuals affected with SLC46A1-related conditions. ClinVar contains an entry for this variant (Variation ID: 1429762). Invitae Evidence Modeling of protein sequence and biophysical properties (such as structural, functional, and spatial information, amino acid conservation, physicochemical variation, residue mobility, and thermodynamic stability) indicates that this missense variant is not expected to disrupt SLC46A1 protein function with a negative predictive value of 80%. In summary, the available evidence is currently insufficient to determine the role of this variant in disease. Therefore, it has been classified as a Variant of Uncertain Significance.

NM_080669.6(SLC46A1):c.737G>T (p.Arg246Leu)

Gene: SLC46A1 (solute carrier family 46 member 1; minus strand). Cytogenetic location: 17q11.2.
Variant type: single nucleotide variant.
Coding change: c.737G>T on transcript NM_080669.6 (MANE Select); coding-DNA position 737, G replaced by T.
Protein change: p.Arg246Leu; replaces arginine 246 with leucine.
Molecular consequence: missense variant.
Genome position (GRCh38, 1-based): chr17:28,404,960, C>A on the plus strand (G>T on the coding strand, the complement: SLC46A1 is on the minus strand). VCF-style: chr17-28404960-C-A. GRCh37 (hg19) VCF-style: chr17-26731978-C-A.
Other names: c.737G>T, p.Arg246Leu (NM_001242366.3); short protein forms R246L.
Identifiers: ClinVar variation 1429762 (VCV001429762.5), dbSNP rs782222724, ClinGen allele CA8458284.